The following is an entry in ClinVar:

ClinVar aggregate classification (germline): Conflicting classifications of pathogenicity. Review status: criteria provided, conflicting classifications (1 of 4 stars). 7 submissions from 7 submitters: Uncertain significance (6); Benign (1). Last evaluated 2025-12-09.

Conditions:
Cardiovascular phenotype. Identifiers: MedGen CN230736.
Hereditary cancer-predisposing syndrome. Also called: Tumor predisposition; Hereditary Cancer Syndrome; Hereditary neoplastic syndrome; Neoplastic Syndromes, Hereditary. Identifiers: Orphanet 140162, MedGen C0027672, MeSH D009386, MONDO:0015356.
Neurofibromatosis, type 1 (NF1). Also called: VON RECKLINGHAUSEN DISEASE; NEUROFIBROMATOSIS, TYPE I, SOMATIC; Peripheral type neurofibromatosis; Neurofibromatosis, type I. Identifiers: Orphanet 636, MedGen C0027831, MONDO:0018975, OMIM 162200. Disease mechanism: loss of function.
Juvenile myelomonocytic leukemia (JMML). Also called: LEUKEMIA, JUVENILE MYELOMONOCYTIC, SOMATIC. Identifiers: Orphanet 86834, MedGen C0349639, MONDO:0011908, OMIM 607785, HP:0012209.

Allele frequency attached by ClinVar (database versions not stated): TOPMed below 0.00001; gnomAD exomes 0.00001.
gnomAD v4.1: 3 of 1,614,040 alleles (0.00019%); highest among the groups gnomAD compares: Non-Finnish European, 0.00025%; no homozygotes.

Submissions (7):

Labcorp Genetics (formerly Invitae), Labcorp
Classification: Benign for Neurofibromatosis, type 1. Last evaluated: 2025-12-09. Review status: criteria provided, single submitter. Criteria: Invitae Variant Classification Sherloc (09022015). Collection method: clinical testing. Allele origin: germline.

Baylor Genetics
Classification: Uncertain significance for Juvenile myelomonocytic leukemia. Last evaluated: 2024-03-18. Review status: criteria provided, single submitter. Criteria: ACMG Guidelines, 2015. Collection method: clinical testing. Allele origin: unknown.

Ambry Genetics
Classification: Uncertain significance for Cardiovascular phenotype; Hereditary cancer-predisposing syndrome. Last evaluated: 2022-08-04. Review status: criteria provided, single submitter. Criteria: Ambry Variant Classification Scheme 2023. Collection method: clinical testing. Allele origin: germline.

GeneDx
Classification: Uncertain significance. Last evaluated: 2022-06-30. Review status: criteria provided, single submitter. Criteria: GeneDx Variant Classification Process June 2021. Collection method: clinical testing. Allele origin: germline. Affected: yes.
Comment: Not observed in large population cohorts (gnomAD); In silico analysis supports that this missense variant does not alter protein structure/function; Has not been previously published as pathogenic or benign to our knowledge; This variant is associated with the following publications: (PMID: 25486365, 22807134)

Genome-Nilou Lab
Classification: Uncertain significance for Neurofibromatosis, type 1. Last evaluated: 2022-03-15. Review status: criteria provided, single submitter. Criteria: ACMG Guidelines, 2015. Collection method: clinical testing. Allele origin: germline. Affected: no.

Sema4
Classification: Uncertain significance for Hereditary cancer-predisposing syndrome. Last evaluated: 2022-03-09. Review status: criteria provided, single submitter. Criteria: Sema4 Curation Guidelines. Collection method: curation. Allele origin: germline.
Comment: To the best of our knowledge, the NF1 c.4000G>A (p.E1334K) variant has not been reported in individuals with NF1-related disease. It was not observed in the large and broad cohorts of the Genome Aggregation Database (PMID: 32461654). This variant has been reported in ClinVar (Variation ID 237560). Functional studies have not been performed, and in silico predictions of the variant's effect on protein function are inconclusive. The evidence is insufficient to meet ACMG/AMP criteria for classifying the variant as benign or pathogenic. Thus, the clinical significance of this variant is currently uncertain.

Genome Diagnostics Laboratory, The Hospital for Sick Children
Classification: Uncertain significance for Neurofibromatosis, type 1. Last evaluated: 2020-10-26. Review status: criteria provided, single submitter. Criteria: ACMG Guidelines, 2015. Collection method: clinical testing. Allele origin: germline. Affected: yes.

NM_001042492.3(NF1):c.4000G>A (p.Glu1334Lys)

Gene: NF1 (neurofibromin 1; plus strand). Cytogenetic location: 17q11.2.
Variant type: single nucleotide variant.
Coding change: c.4000G>A on transcript NM_001042492.3 (MANE Select); coding-DNA position 4000, G replaced by A.
Protein change: p.Glu1334Lys; replaces glutamic acid 1334 with lysine.
Molecular consequence: missense variant.
Genome position (GRCh38, 1-based): chr17:31,249,009, G>A. VCF-style: chr17-31249009-G-A. GRCh37 (hg19) VCF-style: chr17-29576027-G-A.
Other names: c.4000G>A, p.Glu1334Lys (NM_000267.4); short protein forms E1334K.
Identifiers: ClinVar variation 237560 (VCV000237560.21), dbSNP rs878853892, ClinGen allele CA10583500.
Genomic context (GRCh38, chr17:31,249,009, plus strand): 5'-AAAAGTGTTAGGATTTTATTTTTATTTTTTTGTAGGTTAGAACCATCAGAGAGCCTTGAG[G>A]AAAACCAGCGGAACCTCCTTCAGATGACTGAAAAGTTCTTCCATGCCATCATCAGTTCCT-3'
Protein context (NP_001035957.1, residues 1324-1344): TRLEPSESLE[Glu1334Lys]NQRNLLQMTE